The following is an entry in ClinVar:

ClinVar aggregate classification (germline): Likely benign (1 of 4 stars; one submission).

Allele frequency attached by ClinVar (database versions not stated): ExAC 0.00001; gnomAD exomes below 0.00001.
gnomAD v4.1: 2 of 1,611,562 alleles (0.00012%); highest among the groups gnomAD compares: Non-Finnish European, 0.00017%; no homozygotes.

Submission:

GeneDx
Classification: Likely benign. Last evaluated: 2014-06-16. Review status: criteria provided, single submitter. Criteria: GeneDx Variant Classification (06012015). Collection method: clinical testing. Allele origin: germline. Affected: yes.
Comment: This variant is considered likely benign or benign based on one or more of the following criteria: it is a conservative change, it occurs at a poorly conserved position in the protein, it is predicted to be benign by multiple in silico algorithms, and/or has population frequency not consistent with disease.

NM_001330078.2(NRXN1):c.2375-20C>G

Gene: NRXN1 (neurexin 1; minus strand). Cytogenetic location: 2p16.3.
Variant type: single nucleotide variant.
Coding change: c.2375-20C>G on transcript NM_001330078.2 (MANE Select); 20 bases into the intron before coding-DNA position 2375, C replaced by G.
Molecular consequence: intron variant.
Genome position (GRCh38, 1-based): chr2:50,506,637, G>C on the plus strand (C>G on the coding strand, the complement: NRXN1 is on the minus strand). VCF-style: chr2-50506637-G-C. GRCh37 (hg19) VCF-style: chr2-50733775-G-C.
Other names: c.2264-20C>G (NM_001330096.2, NM_001330087.2); c.2309-20C>G (NM_001330083.2, NM_001330084.2); c.2294-20C>G (NM_001330088.2); c.2372-20C>G (NM_001330093.2); c.2363-20C>G (NM_001330094.2); c.2324-20C>G (NM_001330095.2); c.2351-20C>G (NM_001330082.2, NM_001330077.2); c.2348-20C>G (NM_001330085.2); and 2 more.
Identifiers: ClinVar variation 206205 (VCV000206205.1), dbSNP rs776794965, ClinGen allele CA316062.
Genomic context (GRCh38, chr2:50,506,637, plus strand): 5'-ATTGAGGTTATAGCCAGCAAAAAGAGTCTCGGGACCTTTGCCTGTAGAATATGCCAAACA[G>C]TCATTATGGACACTCAGAATCAGTCAAGCAAATGAACCTCACAGAGAGTGAGAGAAAGAG-3'